The following is an entry in ClinVar:

NM_014629.4(ARHGEF10):c.586T>C (p.Trp196Arg)

Gene: ARHGEF10 (Rho guanine nucleotide exchange factor 10; plus strand). Cytogenetic location: 8p23.3.
Variant type: single nucleotide variant.
Coding change: c.586T>C on transcript NM_014629.4 (MANE Select); coding-DNA position 586, T replaced by C.
Protein change: p.Trp196Arg; replaces tryptophan 196 with arginine.
Molecular consequence: missense variant.
Genome position (GRCh38, 1-based): chr8:1,866,566, T>C. VCF-style: chr8-1866566-T-C. GRCh37 (hg19) VCF-style: chr8-1814732-T-C.
Other names: c.589T>C, p.Trp197Arg (NM_001308152.2, NM_001308153.3); short protein forms W196R, W197R, W221R.
Identifiers: ClinVar variation 3895956 (VCV003895956.1).

ClinVar aggregate classification (germline): Uncertain significance (1 of 4 stars; one submission).

gnomAD v4.1: 3 of 1,608,826 alleles (0.00019%); highest among the groups gnomAD compares: Non-Finnish European, 0.00017%; no homozygotes.

Submission:

Women's Health and Genetics/Laboratory Corporation of America, LabCorp
Classification: Uncertain significance. Last evaluated: 2025-03-25. Review status: criteria provided, single submitter. Criteria: LabCorp Variant Classification Summary - May 2015. Collection method: clinical testing. Allele origin: germline.
Comment: Variant summary: ARHGEF10 c.586T>C (p.Trp196Arg) results in a non-conservative amino acid change in the encoded protein sequence. Four of five in-silico tools predict a damaging effect of the variant on protein function. The variant was absent in 247230 control chromosomes. The available data on variant occurrences in the general population are insufficient to allow any conclusion about variant significance. To our knowledge, no occurrence of c.586T>C in individuals affected with Autosomal dominant slowed nerve conduction velocity and no experimental evidence demonstrating its impact on protein function have been reported. No submitters have cited clinical-significance assessments for this variant to ClinVar. Based on the evidence outlined above, the variant was classified as uncertain significance.